The following is an entry in ClinVar:

NM_000219.6(KCNE1):c.200G>A (p.Arg67His)

Gene: KCNE1 (potassium voltage-gated channel subfamily E regulatory subunit 1; minus strand). Cytogenetic location: 21q22.12.
Variant type: single nucleotide variant.
Coding change: c.200G>A on transcript NM_000219.6 (MANE Select); coding-DNA position 200, G replaced by A.
Protein change: p.Arg67His; replaces arginine 67 with histidine.
Molecular consequence: missense variant.
Genome position (GRCh38, 1-based): chr21:34,449,435, C>T on the plus strand (G>A on the coding strand, the complement: KCNE1 is on the minus strand). VCF-style: chr21-34449435-C-T. GRCh37 (hg19) VCF-style: chr21-35821733-C-T.
Other names: c.200G>A (LRG_290t1); c.200G>A, p.Arg67His (NM_001127668.4, NM_001127669.4, NM_001127670.4 and 4 more transcripts); short protein forms R67H.
Identifiers: ClinVar variation 132661 (VCV000132661.31), dbSNP rs79654911, ClinGen allele CA211451.

ClinVar aggregate classification (germline): Conflicting classifications of pathogenicity. Review status: criteria provided, conflicting classifications (1 of 4 stars). 11 submissions from 11 submitters: Likely pathogenic (1); Uncertain significance (8). 2 of the submissions do not count toward it. Last evaluated 2026-01-19.

Conditions:
Cardiovascular phenotype. Identifiers: MedGen CN230736.
Familial long QT syndrome (RWS). Also called: Congenital long QT syndrome; VENTRICULAR FIBRILLATION WITH PROLONGED QT INTERVAL; Romano-Ward syndrome. Identifiers: Orphanet 768, MedGen C1141890, MONDO:0019171.
Long QT syndrome 5 (LQT5). Identifiers: Orphanet 101016, Orphanet 768, MedGen C1867904, MONDO:0013372, OMIM 613695.
Jervell and Lange-Nielsen syndrome 2 (JLNS2). Identifiers: Orphanet 768, Orphanet 90647, MedGen C2676723, MONDO:0012871, OMIM 612347.
Long QT syndrome (LQTS). Identifiers: MedGen C0023976, MeSH D008133, MONDO:0002442. Disease mechanism: loss of function. Inheritance: Various modes of inheritance.

Allele frequency attached by ClinVar (database versions not stated): ExAC 0.00004; gnomAD exomes 0.00008; TOPMed 0.00015; gnomAD 0.00017 and 0.00019; ESP Exome Variant Server 0.00023.
gnomAD v4.1: 139 of 1,538,590 alleles (0.009%); highest among the groups gnomAD compares: African/African-American, 0.022%; no homozygotes.

Submissions (12):

Labcorp Genetics (formerly Invitae), Labcorp
Classification: Uncertain significance for Long QT syndrome. Last evaluated: 2026-01-19. Review status: criteria provided, single submitter. Criteria: Invitae Variant Classification Sherloc (09022015). Collection method: clinical testing. Allele origin: germline.
Comment: This sequence change replaces arginine, which is basic and polar, with histidine, which is basic and polar, at codon 67 of the KCNE1 protein (p.Arg67His). This variant is present in population databases (rs79654911, gnomAD 0.03%). This missense change has been observed in individual(s) with clinical features of KCNE1-related conditions (PMID: 19716085, 21070882, 24710009, 31941373). ClinVar contains an entry for this variant (Variation ID: 132661). Invitae Evidence Modeling of protein sequence and biophysical properties (such as structural, functional, and spatial information, amino acid conservation, physicochemical variation, residue mobility, and thermodynamic stability) indicates that this missense variant is expected to disrupt KCNE1 protein function with a positive predictive value of 95%. Experimental studies are conflicting or provide insufficient evidence to determine the effect of this variant on KCNE1 function (PMID: 21576493, 32058015, 38816749). This variant disrupts the p.Arg67 amino acid residue in KCNE1. Other variant(s) that disrupt this residue have been determined to be pathogenic (PMID: 21576493, 30020974, 31941373, 32058015; internal data). This suggests that this residue is clinically significant, and that variants that disrupt this residue are likely to be disease-causing. In summary, the available evidence is currently insufficient to determine the role of this variant in disease. Therefore, it has been classified as a Variant of Uncertain Significance.

Institute of Immunology and Genetics Kaiserslautern
Classification: Likely pathogenic for Long QT syndrome 5. Last evaluated: 2025-05-09. Review status: criteria provided, single submitter. Criteria: ACMG Guidelines, 2015. Collection method: clinical testing. Allele origin: germline.
Comment: ACMG Criteria: PS3_M, PM2_P, PM5, PP3; Variant was found in heterozygous state.

GeneDx
Classification: Uncertain significance. Last evaluated: 2024-12-17. Review status: criteria provided, single submitter. Criteria: GeneDx Variant Classification Process June 2021. Collection method: clinical testing. Allele origin: germline. Affected: yes.
Comment: Published functional studies suggest that p.(R67H) may impact channel function; nevertheless, it is unclear how these studies may translate to a pathogenic role in vivo (PMID: 21576493); In silico analysis supports that this missense variant has a deleterious effect on protein structure/function; Identified in at least one patient with LVNC in published literature (PMID: 30371277, 31397097); Identified in patients with sudden unexplained death (SUD) and unexplained intrauterine fetal death (IUFD) (PMID: 29672598, 21070882, 32145446, 33762593); This variant is associated with the following publications: (PMID: 26410412, 22581653, 25637381, 24710009, 19716085, 34426522, 31679457, 32058015, 31397097, 30847666, 23631430, 31941373, 33281875, 21070882, 33762593, 30461122, 32145446, 30371277, 29672598, 21576493)

Fulgent Genetics
Classification: Uncertain significance for Jervell and Lange-Nielsen syndrome 2; Long QT syndrome 5. Last evaluated: 2024-06-05. Review status: criteria provided, single submitter. Criteria: ACMG Guidelines, 2015. Collection method: clinical testing. Allele origin: germline.

Blueprint Genetics
Classification: Uncertain significance. Last evaluated: 2023-11-13. Review status: criteria provided, single submitter. Criteria: ACMG Guidelines, 2015. Collection method: clinical testing. Allele origin: germline.

Ambry Genetics
Classification: Uncertain significance for Cardiovascular phenotype. Last evaluated: 2022-02-18. Review status: criteria provided, single submitter. Criteria: Ambry Variant Classification Scheme 2023. Collection method: clinical testing. Allele origin: germline.

Mayo Clinic Laboratories, Mayo Clinic
Classification: Uncertain significance. Last evaluated: 2021-03-03. Review status: criteria provided, single submitter. Criteria: ACMG Guidelines, 2015. Collection method: clinical testing. Allele origin: germline. Observed: 1 variant allele.

Baylor Genetics
Classification: Uncertain significance for Jervell and Lange-Nielsen syndrome 2. Last evaluated: 2018-02-13. Review status: criteria provided, single submitter. Criteria: ACMG Guidelines, 2015. Collection method: clinical testing. Allele origin: maternal. Affected: yes.
Comment: This variant was determined to be of uncertain significance according to ACMG Guidelines, 2015 [PMID:25741868].

Stanford Center for Inherited Cardiovascular Disease, Stanford University
Classification: Uncertain significance. Last evaluated: 2014-11-06. Review status: criteria provided, single submitter. Criteria: ACMG Guidelines, 2015. Collection method: provider interpretation. Allele origin: germline.

CSER _CC_NCGL, University of Washington
Classification: Uncertain significance for Long QT syndrome. Last evaluated: 2014-06-01. Review status: no assertion criteria provided. Collection method: research. Allele origin: germline. Inheritance: Autosomal dominant inheritance. Study: ESP 6500 variant annotation. Not counted in ClinVar's aggregate classification.
Comment: Variants classified for the Actionable exomic incidental findings in 6503 participants: challenges of variant classification manuscript

Cardiovascular Biomedical Research Unit, Royal Brompton & Harefield NHS Foundation Trust
No classification provided. Condition: Familial long QT syndrome. Review status: no classification provided. Collection method: literature only. Allele origin: germline. Not counted in ClinVar's aggregate classification.
Comment: This variant has been reported as associated with Long QT syndrome in the following publications (PMID:19716085). This is a literature report, and does not necessarily reflect the clinical interpretation of the Imperial College / Royal Brompton Cardiovascular Genetics laboratory.

Roden Lab, Vanderbilt University Medical Center
No classification provided (evidence only). Condition: Long QT syndrome 5. Review status: no classification provided. Collection method: in vitro. Allele origin: not applicable. Functional consequence: Effect on ion channel function. Not counted in ClinVar's aggregate classification.
ClinVar note: "not provided" was previously submitted as the classification for the variant. However, the classification appeared to be based only on an observation of functional data so it was converted to no classification on 2025-07-30.

Literature cited by the submitters: PubMed 19716085 (cited by Labcorp Genetics (formerly Invitae), Labcorp and Cardiovascular Biomedical Research Unit, Royal Brompton & Harefield NHS Foundation Trust); PubMed 21070882 (cited by Labcorp Genetics (formerly Invitae), Labcorp); PubMed 24710009 (cited by Labcorp Genetics (formerly Invitae), Labcorp); PubMed 31941373 (cited by Labcorp Genetics (formerly Invitae), Labcorp); PubMed 21576493 (cited by Labcorp Genetics (formerly Invitae), Labcorp); PubMed 32058015 (cited by Labcorp Genetics (formerly Invitae), Labcorp); PubMed 38816749 (cited by Labcorp Genetics (formerly Invitae), Labcorp); PubMed 30020974 (cited by Labcorp Genetics (formerly Invitae), Labcorp); PubMed 22581653 (cited by Cardiovascular Biomedical Research Unit, Royal Brompton & Harefield NHS Foundation Trust).